The following is an entry in ClinVar:

NM_018834.6(MATR3):c.2454T>C (p.Asn818=)

Gene: MATR3 (matrin 3; plus strand). Cytogenetic location: 5q31.2.
Variant type: single nucleotide variant.
Coding change: c.2454T>C on transcript NM_018834.6 (MANE Select); coding-DNA position 2454, T replaced by C.
Protein change: p.Asn818=; no amino-acid change (asparagine 818 retained).
Molecular consequence: synonymous variant.
Genome position (GRCh38, 1-based): chr5:139,326,245, T>C. VCF-style: chr5-139326245-T-C. GRCh37 (hg19) VCF-style: chr5-138661934-T-C.
Other names: c.2454T>C, p.Asn818= (NM_001194954.2, NM_001194955.2, NM_199189.3); c.1590T>C, p.Asn530= (NM_001194956.2); c.1440T>C, p.Asn480= (NM_001282278.2).
Identifiers: ClinVar variation 1121672 (VCV001121672.33), dbSNP rs146550337, ClinGen allele CA3433456.

ClinVar aggregate classification (germline): Likely benign. Review status: criteria provided, multiple submitters, no conflicts (2 of 4 stars). 2 submissions from 2 submitters: Likely benign (2). Last evaluated 2025-03-18.

Conditions:
Amyotrophic lateral sclerosis type 21. Also called: MYOPATHY, DISTAL, 2; VOCAL CORD AND PHARYNGEAL DYSFUNCTION WITH DISTAL MYOPATHY. Identifiers: Orphanet 600, Orphanet 803, MedGen C3807521, MONDO:0011632, OMIM 606070.

Allele frequency attached by ClinVar (database versions not stated): TOPMed below 0.00001; gnomAD exomes 0.00002 and 0.00004; ExAC 0.00003; ESP Exome Variant Server 0.00008.
gnomAD v4.1: 25 of 1,613,648 alleles (0.0015%); highest among the groups gnomAD compares: Non-Finnish European, 0.0021%; no homozygotes.

Submissions (2):

Labcorp Genetics (formerly Invitae), Labcorp
Classification: Likely benign for Amyotrophic lateral sclerosis type 21. Last evaluated: 2025-03-18. Review status: criteria provided, single submitter. Criteria: Invitae Variant Classification Sherloc (09022015). Collection method: clinical testing. Allele origin: germline.

CeGaT Center for Human Genetics Tuebingen
Classification: Likely benign. Last evaluated: 2022-10-01. Review status: criteria provided, single submitter. Criteria: CeGaT Center For Human Genetics Tuebingen Variant Classification Criteria Version 2. Collection method: clinical testing. Allele origin: germline. Affected: yes. Observed: 1 variant allele.
Comment: MATR3: BP4, BP7